The following is an entry in ClinVar:

NM_024652.6(LRRK1):c.2560G>A (p.Val854Met)

Genes: LRRK1 (leucine rich repeat kinase 1; plus strand), LOC126862255 (CDK7 strongly-dependent group 2 enhancer GRCh37_chr15:101567313-101568512; plus strand). Cytogenetic location: 15q26.3.
Variant type: single nucleotide variant.
Coding change: c.2560G>A on transcript NM_024652.6 (MANE Select); coding-DNA position 2560, G replaced by A.
Protein change: p.Val854Met; replaces valine 854 with methionine.
Molecular consequence: missense variant.
Genome position (GRCh38, 1-based): chr15:101,027,671, G>A. VCF-style: chr15-101027671-G-A. GRCh37 (hg19) VCF-style: chr15-101567876-G-A.
Other names: short protein forms V854M.
Identifiers: ClinVar variation 1495518 (VCV001495518.3), dbSNP rs368404584, ClinGen allele CA7761288.

ClinVar aggregate classification (germline): Uncertain significance (1 of 4 stars; one submission).

Allele frequency attached by ClinVar (database versions not stated): ESP Exome Variant Server 0.00008; gnomAD 0.00009; gnomAD exomes 0.00009; ExAC 0.00010.
gnomAD v4.1: 225 of 1,613,034 alleles (0.014%); highest among the groups gnomAD compares: Non-Finnish European, 0.017%; 2 homozygotes.

Submission:

Labcorp Genetics (formerly Invitae), Labcorp
Classification: Uncertain significance. Last evaluated: 2022-04-29. Review status: criteria provided, single submitter. Criteria: Invitae Variant Classification Sherloc (09022015). Collection method: clinical testing. Allele origin: germline.
Comment: This sequence change replaces valine, which is neutral and non-polar, with methionine, which is neutral and non-polar, at codon 854 of the LRRK1 protein (p.Val854Met). This variant is present in population databases (rs368404584, gnomAD 0.01%), including at least one homozygous and/or hemizygous individual. This variant has not been reported in the literature in individuals affected with LRRK1-related conditions. Algorithms developed to predict the effect of missense changes on protein structure and function are either unavailable or do not agree on the potential impact of this missense change (SIFT: "Deleterious"; PolyPhen-2: "Probably Damaging"; Align-GVGD: "Class C0"). In summary, the available evidence is currently insufficient to determine the role of this variant in disease. Therefore, it has been classified as a Variant of Uncertain Significance.